The following is an entry in ClinVar:

ClinVar aggregate classification (germline): Uncertain significance. Review status: criteria provided, multiple submitters, no conflicts (2 of 4 stars). 4 submissions from 4 submitters: Uncertain significance (4). Last evaluated 2024-05-10.

Conditions:
Inborn genetic diseases. Identifiers: MedGen C0950123, MeSH D030342.

Allele frequency attached by ClinVar (database versions not stated): ESP Exome Variant Server 0.00008; TOPMed 0.00017; gnomAD 0.00025 and 0.00026; gnomAD exomes 0.00025 and 0.00032; ExAC 0.00030.
gnomAD v4.1: 510 of 1,613,740 alleles (0.032%); highest among the groups gnomAD compares: Non-Finnish European, 0.039%; no homozygotes.

Submissions (4):

Ambry Genetics
Classification: Uncertain significance for Inborn genetic diseases. Last evaluated: 2024-05-10. Review status: criteria provided, single submitter. Criteria: Ambry Variant Classification Scheme 2023. Collection method: clinical testing. Allele origin: germline.

Women's Health and Genetics/Laboratory Corporation of America, LabCorp
Classification: Uncertain significance. Last evaluated: 2024-04-17. Review status: criteria provided, single submitter. Criteria: LabCorp Variant Classification Summary - May 2015. Collection method: clinical testing. Allele origin: germline.
Comment: Variant summary: PCLO c.1217G>A (p.Gly406Glu) results in a non-conservative amino acid change in the encoded protein sequence. Three of five in-silico tools predict a benign effect of the variant on protein function. The variant allele was found at a frequency of 0.00025 in 248822 control chromosomes (gnomAD v2.1). To our knowledge, no occurrence of c.1217G>A in individuals affected with Pontocerebellar Hypoplasia Type 3 and no experimental evidence demonstrating its impact on protein function have been reported. ClinVar contains an entry for this variant (Variation ID: 500716). Based on the evidence outlined above, the variant was classified as uncertain significance.

Labcorp Genetics (formerly Invitae), Labcorp
Classification: Uncertain significance. Last evaluated: 2022-11-01. Review status: criteria provided, single submitter. Criteria: Invitae Variant Classification Sherloc (09022015). Collection method: clinical testing. Allele origin: germline.
Comment: This sequence change replaces glycine, which is neutral and non-polar, with glutamic acid, which is acidic and polar, at codon 406 of the PCLO protein (p.Gly406Glu). This variant is present in population databases (rs200099938, gnomAD 0.05%). This variant has not been reported in the literature in individuals affected with PCLO-related conditions. ClinVar contains an entry for this variant (Variation ID: 500716). Algorithms developed to predict the effect of missense changes on protein structure and function are either unavailable or do not agree on the potential impact of this missense change (SIFT: "Tolerated"; PolyPhen-2: "Probably Damaging"; Align-GVGD: "Class C0"). In summary, the available evidence is currently insufficient to determine the role of this variant in disease. Therefore, it has been classified as a Variant of Uncertain Significance.

Eurofins Ntd Llc (ga)
Classification: Uncertain significance. Last evaluated: 2017-03-08. Review status: criteria provided, single submitter. Criteria: EGL Classification Definitions 2015. Collection method: clinical testing. Allele origin: germline. Observed: 1 variant allele, 1 heterozygote.

NM_033026.6(PCLO):c.1217G>A (p.Gly406Glu)

Gene: PCLO (piccolo presynaptic cytomatrix protein; minus strand). Cytogenetic location: 7q21.11.
Variant type: single nucleotide variant.
Coding change: c.1217G>A on transcript NM_033026.6 (MANE Select); coding-DNA position 1217, G replaced by A.
Protein change: p.Gly406Glu; replaces glycine 406 with glutamic acid.
Molecular consequence: missense variant.
Genome position (GRCh38, 1-based): chr7:83,155,424, C>T on the plus strand (G>A on the coding strand, the complement: PCLO is on the minus strand). VCF-style: chr7-83155424-C-T. GRCh37 (hg19) VCF-style: chr7-82784740-C-T.
Other names: c.1217G>A, p.Gly406Glu (NM_014510.3); c.1217G>A (NM_033026.5); short protein forms G406E.
Identifiers: ClinVar variation 500716 (VCV000500716.12), dbSNP rs200099938, ClinGen allele CA4321495.